The following is an entry in ClinVar:

ClinVar aggregate classification (germline): Uncertain significance (1 of 4 stars; one submission).

Conditions:
Hereditary cancer-predisposing syndrome. Also called: Neoplastic Syndromes, Hereditary; Tumor predisposition; Hereditary Cancer Syndrome; Hereditary neoplastic syndrome. Identifiers: Orphanet 140162, MedGen C0027672, MeSH D009386, MONDO:0015356.

Submission:

Ambry Genetics
Classification: Uncertain significance for Hereditary cancer-predisposing syndrome. Last evaluated: 2021-11-04. Review status: criteria provided, single submitter. Criteria: Ambry Variant Classification Scheme 2023. Collection method: clinical testing. Allele origin: germline.
Comment: The p.L1252F variant (also known as c.3756A>C), located in coding exon 8 of the MSH6 gene, results from an A to C substitution at nucleotide position 3756. The leucine at codon 1252 is replaced by phenylalanine, an amino acid with highly similar properties. This amino acid position is highly conserved in available vertebrate species. In addition, this alteration is predicted to be deleterious by in silico analysis. Since supporting evidence is limited at this time, the clinical significance of this alteration remains unclear.

NM_000179.3(MSH6):c.3756A>C (p.Leu1252Phe)

Gene: MSH6 (mutS homolog 6; plus strand). Cytogenetic location: 2p16.3.
Variant type: single nucleotide variant.
Coding change: c.3756A>C on transcript NM_000179.3 (MANE Select); coding-DNA position 3756, A replaced by C.
Protein change: p.Leu1252Phe; replaces leucine 1252 with phenylalanine.
Molecular consequence: missense variant.
Genome position (GRCh38, 1-based): chr2:47,806,313, A>C. VCF-style: chr2-47806313-A-C. GRCh37 (hg19) VCF-style: chr2-48033452-A-C.
Other names: c.3852A>C, p.Leu1284Phe (NM_001406802.1, NM_001406795.1); c.2892A>C, p.Leu964Phe (NM_001406803.1); c.3678A>C, p.Leu1226Phe (NM_001406804.1); c.3459A>C, p.Leu1153Phe (NM_001406805.1, NM_001406822.1, NM_001406824.1 and 10 more transcripts); c.3231A>C, p.Leu1077Phe (NM_001406806.1, NM_001406807.1, NM_001406799.1); c.3756A>C, p.Leu1252Phe (NM_001406808.1, NM_001406809.1, NM_001406796.1 and 1 more transcripts); c.2850A>C, p.Leu950Phe (NM_001406811.1, NM_001406823.1, NM_001406829.1 and 6 more transcripts); c.3588A>C, p.Leu1196Phe (NM_001406826.1); and 7 more; short protein forms L1196F, L1122F, L1153F, L1226F, L201F, L730F, L964F, L1077F.
Identifiers: ClinVar variation 1734598 (VCV001734598.2), dbSNP rs2104544139, ClinGen allele CA346761092.